The following is an entry in ClinVar:

NM_000038.6(APC):c.7120A>T (p.Ser2374Cys)

Gene: APC (APC regulator of Wnt signaling pathway; plus strand). Cytogenetic location: 5q22.2.
Variant type: single nucleotide variant.
Coding change: c.7120A>T on transcript NM_000038.6 (MANE Select); coding-DNA position 7120, A replaced by T.
Protein change: p.Ser2374Cys; replaces serine 2374 with cysteine.
Molecular consequence: missense variant.
Genome position (GRCh38, 1-based): chr5:112,842,714, A>T. VCF-style: chr5-112842714-A-T. GRCh37 (hg19) VCF-style: chr5-112178411-A-T.
Other names: c.7120A>T, p.Ser2374Cys (NM_001127510.3, NM_001354895.2); c.7066A>T, p.Ser2356Cys (NM_001127511.3); c.7174A>T, p.Ser2392Cys (NM_001354896.2); c.7150A>T, p.Ser2384Cys (NM_001354897.2); c.7045A>T, p.Ser2349Cys (NM_001354898.2); c.7036A>T, p.Ser2346Cys (NM_001354899.2); c.6997A>T, p.Ser2333Cys (NM_001354900.2); c.6943A>T, p.Ser2315Cys (NM_001354901.2); and 5 more; short protein forms S2248C, S2283C, S2384C, S2273C, S2346C, S2356C, S2091C, S2214C.
Identifiers: ClinVar variation 860089 (VCV000860089.11), dbSNP rs1766381123, ClinGen allele CA16036839.

ClinVar aggregate classification (germline): Uncertain significance (1 of 4 stars; one submission).

Conditions:
Familial adenomatous polyposis 1 (FAP1). Also called: POLYPOSIS, ADENOMATOUS INTESTINAL; FAMILIAL ADENOMATOUS POLYPOSIS 1, ATTENUATED. Identifiers: MedGen C2713442, MONDO:0021056, OMIM 175100. Disease mechanism: loss of function.

Submission:

Labcorp Genetics (formerly Invitae), Labcorp
Classification: Uncertain significance for Familial adenomatous polyposis 1. Last evaluated: 2023-02-26. Review status: criteria provided, single submitter. Criteria: Invitae Variant Classification Sherloc (09022015). Collection method: clinical testing. Allele origin: germline.
Comment: In summary, the available evidence is currently insufficient to determine the role of this variant in disease. Therefore, it has been classified as a Variant of Uncertain Significance. Advanced modeling of protein sequence and biophysical properties (such as structural, functional, and spatial information, amino acid conservation, physicochemical variation, residue mobility, and thermodynamic stability) performed at Invitae indicates that this missense variant is not expected to disrupt APC protein function. ClinVar contains an entry for this variant (Variation ID: 860089). This variant has not been reported in the literature in individuals affected with APC-related conditions. This variant is not present in population databases (gnomAD no frequency). This sequence change replaces serine, which is neutral and polar, with cysteine, which is neutral and slightly polar, at codon 2374 of the APC protein (p.Ser2374Cys).